The following is an entry in ClinVar:

NM_001079802.2(FKTN):c.911-236G>A

Gene: FKTN (fukutin; plus strand). Cytogenetic location: 9q31.2.
Variant type: single nucleotide variant.
Coding change: c.911-236G>A on transcript NM_001079802.2 (MANE Select); 236 bases into the intron before coding-DNA position 911, G replaced by A.
Molecular consequence: intron variant.
Genome position (GRCh38, 1-based): chr9:105,617,723, G>A. VCF-style: chr9-105617723-G-A. GRCh37 (hg19) VCF-style: chr9-108380004-G-A.
Other names: c.911-236G>A (NM_006731.2, NM_001351496.2, NM_001198963.2 and 1 more transcripts); c.515-236G>A (NM_001351502.2, NM_001351499.2, NM_001351500.2 and 1 more transcripts); c.842-236G>A (NM_001351497.2).
Identifiers: ClinVar variation 671112 (VCV000671112.1), dbSNP rs10816284, ClinGen allele CA16370690.

ClinVar aggregate classification (germline): Benign (1 of 4 stars; one submission).

Allele frequency attached by ClinVar (database versions not stated): 1000 Genomes Project 30x 0.42739; 1000 Genomes Project 0.43071; gnomAD 0.44167 and 0.44630; TOPMed 0.44396.
gnomAD v4.1: 66,952 of 151,840 alleles (44%); highest among the groups gnomAD compares: East Asian, 55%; 14,993 homozygotes.

Submission:

GeneDx
Classification: Benign. Last evaluated: 2018-06-14. Review status: criteria provided, single submitter. Criteria: GeneDx Variant Classification (06012015). Collection method: clinical testing. Allele origin: germline. Affected: yes.
Comment: This variant is considered likely benign or benign based on one or more of the following criteria: it is a conservative change, it occurs at a poorly conserved position in the protein, it is predicted to be benign by multiple in silico algorithms, and/or has population frequency not consistent with disease.